The following is an entry in ClinVar:

NM_001365951.3(KIF1B):c.3103T>A (p.Ser1035Thr)

Gene: KIF1B (kinesin family member 1B; plus strand). Cytogenetic location: 1p36.22.
Variant type: single nucleotide variant.
Coding change: c.3103T>A on transcript NM_001365951.3 (MANE Select); coding-DNA position 3103, T replaced by A.
Protein change: p.Ser1035Thr; replaces serine 1035 with threonine.
Molecular consequence: missense variant.
Genome position (GRCh38, 1-based): chr1:10,336,716, T>A. VCF-style: chr1-10336716-T-A. GRCh37 (hg19) VCF-style: chr1-10396774-T-A.
Other names: c.3103T>A, p.Ser1035Thr (NM_001365952.1); c.2965T>A, p.Ser989Thr (NM_015074.3); short protein forms S1035T, S989T.
Identifiers: ClinVar variation 1798213 (VCV001798213.2), dbSNP rs1652195045, ClinGen allele CA338339416.

ClinVar aggregate classification (germline): Uncertain significance (1 of 4 stars; one submission).

Submission:

Ambry Genetics
Classification: Uncertain significance. Last evaluated: 2021-03-23. Review status: criteria provided, single submitter. Criteria: Ambry Variant Classification Scheme 2023. Collection method: clinical testing. Allele origin: germline.
Comment: The p.S989T variant (also known as c.2965T>A), located in coding exon 26 of the KIF1B gene, results from a T to A substitution at nucleotide position 2965. The serine at codon 989 is replaced by threonine, an amino acid with similar properties. This amino acid position is highly conserved in available vertebrate species. In addition, the in silico prediction for this alteration is inconclusive. Since supporting evidence is limited at this time, the clinical significance of this alteration remains unclear.